The following is an entry in ClinVar:

NM_032638.5(GATA2):c.629_631dup (p.Gly210dup)

Gene: GATA2 (GATA binding protein 2; minus strand). Cytogenetic location: 3q21.3.
Variant type: Duplication.
Coding change: c.629_631dup on transcript NM_032638.5 (MANE Select); coding-DNA positions 629 to 631, 3 bases duplicated (GCG; older notation c.629_631dupGCG).
Protein change: p.Gly210dup; duplicates glycine 210.
Molecular consequence: inframe insertion.
Genome position (GRCh38, 1-based): chr3:128,485,967-128,485,969, CGC duplicated on the plus strand (GCG on the coding strand, the reverse complement: GATA2 is on the minus strand); duplicating any 3 consecutive bases within chr3:128,485,967-128,485,971 gives the same sequence; the c. name uses the placement nearest the transcript's 3' end. VCF-style (leftmost placement, unchanged base first): chr3-128485966-A-ACGC. GRCh37 (hg19) VCF-style: chr3-128204809-A-ACGC.
Other names: c.629_631dupGCG (NM_032638.4); c.629_631dup, p.Gly210dup (NM_001145661.2, NM_001145662.1).
Identifiers: ClinVar variation 539722 (VCV000539722.12), dbSNP rs1553770955, ClinGen allele CA658796374.
Genomic context (GRCh38, chr3:128,485,966, plus strand): 5'-GGGCGCAGGGGACTGCCACTTTCCATCTTCATGCTCTCCGTCAGTGACACCTGGTACTTG[A>ACGC]CGCCGTCCTTGTCCTCTCCTCGGGCTGCACTACCCCCCGCGGAAGATGAGGCTGGAGACG-3'

ClinVar aggregate classification (germline): Uncertain significance. Review status: criteria provided, multiple submitters, no conflicts (2 of 4 stars). 3 submissions from 3 submitters: Uncertain significance (3). Last evaluated 2026-01-20.

Conditions:
Inborn genetic diseases. Identifiers: MedGen C0950123, MeSH D030342.
Deafness-lymphedema-leukemia syndrome. Also called: Emberger syndrome; Lymphedema, primary, with myelodysplasia. Identifiers: Orphanet 3226, MedGen C3279664, MONDO:0013540, OMIM 614038.
Monocytopenia with susceptibility to infections. Also called: IMMUNODEFICIENCY 21; MONOCYTOPENIA AND MYCOBACTERIAL INFECTION SYNDROME; MONOCYTOPENIA WITH SUSCEPTIBILITY TO MYCOBACTERIAL, FUNGAL, AND PAPILLOMAVIRUS INFECTIONS AND MYELODYSPLASIA; COMBINED IMMUNODEFICIENCY WITH SUSCEPTIBILITY TO MYCOBACTERIAL, VIRAL, AND FUNGAL INFECTIONS; Dendritic cell, monocyte, B lymphocyte, and natural killer lymphocyte deficiency; GATA2 DEFICIENCY. Identifiers: Orphanet 228423, MedGen C3280030, MONDO:0013607, OMIM 614172.
Acute myeloid leukemia (AML). Also called: Leukemia, acute myeloid, somatic; Leukemia, acute myelogenous, somatic; Acute myeloid leukemia, adult; AML adult; Acute non-lymphocytic leukemia; Acute granulocytic leukemia. Identifiers: Orphanet 519, MedGen C0023467, MeSH D015470, MONDO:0018874, OMIM 601626, HP:0004808. Disease mechanism: Constitutively activated FLT3.

Submissions (3):

Labcorp Genetics (formerly Invitae), Labcorp
Classification: Uncertain significance for Monocytopenia with susceptibility to infections; Deafness-lymphedema-leukemia syndrome. Last evaluated: 2026-01-20. Review status: criteria provided, single submitter. Criteria: Invitae Variant Classification Sherloc (09022015). Collection method: clinical testing. Allele origin: germline.
Comment: This variant, c.629_631dup, results in the insertion of 1 amino acid(s) of the GATA2 protein (p.Gly210dup), but otherwise preserves the integrity of the reading frame. This variant is not present in population databases (gnomAD no frequency). This variant has not been reported in the literature in individuals affected with GATA2-related conditions. ClinVar contains an entry for this variant (Variation ID: 539722). Experimental studies and prediction algorithms are not available or were not evaluated, and the functional significance of this variant is currently unknown. In summary, the available evidence is currently insufficient to determine the role of this variant in disease. Therefore, it has been classified as a Variant of Uncertain Significance.

Ambry Genetics
Classification: Uncertain significance for Inborn genetic diseases. Last evaluated: 2025-12-03. Review status: criteria provided, single submitter. Criteria: Ambry Variant Classification Scheme 2023. Collection method: clinical testing. Allele origin: germline.
Comment: The c.629_631dupGCG variant (also known as p.G210dup), located in coding exon 2 of the GATA2 gene, results from an in-frame duplication of GCG at nucleotide positions 629 to 631. This results in the duplication of an extra residue between codons 210 and 211. This nucleotide region is poorly conserved in available vertebrate species. In addition, this variant is predicted to be neutral by in silico analysis (Choi Y et al. PLoS ONE. 2012; 7(10):e46688). Based on the available evidence, the clinical significance of this variant remains unclear.

Baylor Genetics
Classification: Uncertain significance for Acute myeloid leukemia. Last evaluated: 2023-12-13. Review status: criteria provided, single submitter. Criteria: ACMG Guidelines, 2015. Collection method: clinical testing. Allele origin: unknown.